The following is an entry in ClinVar:

NM_001252024.2(TRPM1):c.4361G>A (p.Cys1454Tyr)

Gene: TRPM1 (transient receptor potential cation channel subfamily M member 1; minus strand). Cytogenetic location: 15q13.3.
Variant type: single nucleotide variant.
Coding change: c.4361G>A on transcript NM_001252024.2 (MANE Select); coding-DNA position 4361, G replaced by A.
Protein change: p.Cys1454Tyr; replaces cysteine 1454 with tyrosine.
Molecular consequence: missense variant.
Genome position (GRCh38, 1-based): chr15:31,002,339, C>T on the plus strand (G>A on the coding strand, the complement: TRPM1 is on the minus strand). VCF-style: chr15-31002339-C-T. GRCh37 (hg19) VCF-style: chr15-31294542-C-T.
Other names: c.4412G>A, p.Cys1471Tyr (NM_001252020.2); c.4295G>A, p.Cys1432Tyr (NM_002420.6); c.4412G>A (NM_001252020.1); short protein forms C1432Y, C1454Y, C1471Y.
Identifiers: ClinVar variation 1055012 (VCV001055012.7), dbSNP rs761515877, ClinGen allele CA7451655.

ClinVar aggregate classification (germline): Uncertain significance. Review status: criteria provided, multiple submitters, no conflicts (2 of 4 stars). 2 submissions from 2 submitters: Uncertain significance (2). Last evaluated 2026-01-27.

Conditions:
TRPM1-related disorder. Also called: TRPM1-related condition.

Allele frequency attached by ClinVar (database versions not stated): TOPMed below 0.00001; ExAC 0.00001; gnomAD 0.00001; gnomAD exomes 0.00001.
gnomAD v4.1: 5 of 1,614,116 alleles (0.00031%); highest among the groups gnomAD compares: African/African-American, 0.0013%; no homozygotes.

Submissions (2):

PreventionGenetics, part of Exact Sciences
Classification: Uncertain significance for TRPM1-related condition. Last evaluated: 2026-01-27. Review status: criteria provided, single submitter. Criteria: ACMG Guidelines, 2015. Collection method: clinical testing. Allele origin: germline.
Comment: The TRPM1 c.4412G>A variant is predicted to result in the amino acid substitution p.Cys1471Tyr. To our knowledge, this variant has not been reported in the literature. This variant is reported in 0.0018% of alleles in individuals of European (Non-Finnish) descent in gnomAD. At this time, the clinical significance of this variant is uncertain due to the absence of conclusive functional and genetic evidence.

Labcorp Genetics (formerly Invitae), Labcorp
Classification: Uncertain significance. Last evaluated: 2022-02-05. Review status: criteria provided, single submitter. Criteria: Invitae Variant Classification Sherloc (09022015). Collection method: clinical testing. Allele origin: germline.
Comment: This sequence change replaces cysteine, which is neutral and slightly polar, with tyrosine, which is neutral and polar, at codon 1432 of the TRPM1 protein (p.Cys1432Tyr). This variant is present in population databases (rs761515877, gnomAD 0.0009%). This variant has not been reported in the literature in individuals affected with TRPM1-related conditions. ClinVar contains an entry for this variant (Variation ID: 1055012). Algorithms developed to predict the effect of missense changes on protein structure and function output the following: SIFT: "Tolerated"; PolyPhen-2: "Benign"; Align-GVGD: "Class C0". The tyrosine amino acid residue is found in multiple mammalian species, which suggests that this missense change does not adversely affect protein function. In summary, the available evidence is currently insufficient to determine the role of this variant in disease. Therefore, it has been classified as a Variant of Uncertain Significance.